The following is an entry in ClinVar:

ClinVar aggregate classification (germline): Conflicting classifications of pathogenicity. Review status: criteria provided, conflicting classifications (1 of 4 stars). 2 submissions from 2 submitters: Uncertain significance (1); Likely benign (1). Last evaluated 2025-12-06.

Allele frequency attached by ClinVar (database versions not stated): ExAC 0.00003; gnomAD 0.00003; TOPMed 0.00003; gnomAD exomes 0.00006.
gnomAD v4.1: 93 of 1,576,114 alleles (0.0059%); highest among the groups gnomAD compares: Non-Finnish European, 0.008%; no homozygotes.

Submissions (2):

Labcorp Genetics (formerly Invitae), Labcorp
Classification: Uncertain significance. Last evaluated: 2025-12-06. Review status: criteria provided, single submitter. Criteria: Invitae Variant Classification Sherloc (09022015). Collection method: clinical testing. Allele origin: germline.
Comment: This sequence change falls in intron 7 of the SPPL2A gene. It does not directly change the encoded amino acid sequence of the SPPL2A protein. It affects a nucleotide within the consensus splice site. This variant is present in population databases (rs764722874, gnomAD 0.006%). This variant has not been reported in the literature in individuals affected with SPPL2A-related conditions. ClinVar contains an entry for this variant (Variation ID: 2901004). Variants that disrupt the consensus splice site are a relatively common cause of aberrant splicing (PMID: 17576681, 9536098). Algorithms developed to predict the effect of sequence changes on RNA splicing suggest that this variant is not likely to affect RNA splicing. In summary, the available evidence is currently insufficient to determine the role of this variant in disease. Therefore, it has been classified as a Variant of Uncertain Significance.

Blueprint Genetics
Classification: Likely benign. Last evaluated: 2022-02-01. Review status: criteria provided, single submitter. Criteria: ACMG Guidelines, 2015. Collection method: clinical testing. Allele origin: germline.

Literature cited by the submitters: PubMed 17576681 (cited by Labcorp Genetics (formerly Invitae), Labcorp); PubMed 9536098 (cited by Labcorp Genetics (formerly Invitae), Labcorp).

NM_032802.4(SPPL2A):c.831-3T>C

Gene: SPPL2A (signal peptide peptidase like 2A; minus strand). Cytogenetic location: 15q21.2.
Variant type: single nucleotide variant.
Coding change: c.831-3T>C on transcript NM_032802.4 (MANE Select); 3 bases into the intron before coding-DNA position 831, T replaced by C.
Molecular consequence: intron variant.
Genome position (GRCh38, 1-based): chr15:50,736,205, A>G on the plus strand (T>C on the coding strand, the complement: SPPL2A is on the minus strand). VCF-style: chr15-50736205-A-G. GRCh37 (hg19) VCF-style: chr15-51028402-A-G.
Identifiers: ClinVar variation 2901004 (VCV002901004.4), dbSNP rs764722874, ClinGen allele CA7558391.